The following is an entry in ClinVar:

ClinVar aggregate classification (germline): Likely pathogenic (1 of 4 stars; one submission).

Allele frequency attached by ClinVar (database versions not stated): gnomAD exomes below 0.00001.
gnomAD v4.1: 5 of 1,612,240 alleles (0.00031%); highest among the groups gnomAD compares: Non-Finnish European, 0.00034%; no homozygotes.

Submission:

Labcorp Genetics (formerly Invitae), Labcorp
Classification: Likely pathogenic. Last evaluated: 2023-08-30. Review status: criteria provided, single submitter. Criteria: Invitae Variant Classification Sherloc (09022015). Collection method: clinical testing. Allele origin: germline.
Comment: This variant has not been reported in the literature in individuals affected with OTOF-related conditions. In summary, the currently available evidence indicates that the variant is pathogenic, but additional data are needed to prove that conclusively. Therefore, this variant has been classified as Likely Pathogenic. Algorithms developed to predict the effect of sequence changes on RNA splicing suggest that this variant may disrupt the consensus splice site. This variant is not present in population databases (gnomAD no frequency). This sequence change affects an acceptor splice site in intron 9 of the OTOF gene. It is expected to disrupt RNA splicing. Variants that disrupt the donor or acceptor splice site typically lead to a loss of protein function (PMID: 16199547), and loss-of-function variants in OTOF are known to be pathogenic (PMID: 18381613, 19250381, 22575033).

Literature cited by the submitters: PubMed 16199547; PubMed 18381613; PubMed 19250381; PubMed 22575033.

NM_194248.3(OTOF):c.898-2A>G

Gene: OTOF (otoferlin; minus strand). Cytogenetic location: 2p23.3.
Variant type: single nucleotide variant.
Coding change: c.898-2A>G on transcript NM_194248.3 (MANE Select); the canonical splice acceptor site of the intron before coding-DNA position 898, A replaced by G.
Molecular consequence: splice acceptor variant.
Genome position (GRCh38, 1-based): chr2:26,489,742, T>C on the plus strand (A>G on the coding strand, the complement: OTOF is on the minus strand). VCF-style: chr2-26489742-T-C. GRCh37 (hg19) VCF-style: chr2-26712610-T-C.
Other names: c.898-2A>G (NM_001287489.2).
Identifiers: ClinVar variation 2756526 (VCV002756526.3), dbSNP rs2465291425, ClinGen allele CA346138355.
Genomic context (GRCh38, chr2:26,489,742, plus strand): 5'-ATCTTGATGATCTTGTCAAACATGACATCCGGAGAGACATGGAAGTCGAAGACGAAGTAC[T>C]GGAGGGGGAAGGATCCAGGCCTGCTGTCACTGAGGGCAGCAGCAACAGCCCAGGCAGTGT-3'